The following is an entry in ClinVar:

NM_003238.6(TGFB2):c.286G>C (p.Glu96Gln)

Gene: TGFB2 (transforming growth factor beta 2; plus strand). Cytogenetic location: 1q41.
Variant type: single nucleotide variant.
Coding change: c.286G>C on transcript NM_003238.6 (MANE Select); coding-DNA position 286, G replaced by C.
Protein change: p.Glu96Gln; replaces glutamic acid 96 with glutamine.
Molecular consequence: missense variant. On other transcripts: non-coding transcript variant (2).
Genome position (GRCh38, 1-based): chr1:218,346,987, G>C. VCF-style: chr1-218346987-G-C. GRCh37 (hg19) VCF-style: chr1-218520329-G-C.
Other names: c.286G>C, p.Glu96Gln (NM_001135599.4); short protein forms E96Q.
Identifiers: ClinVar variation 1797044 (VCV001797044.2), dbSNP rs1571821144, ClinGen allele CA344725695.

ClinVar aggregate classification (germline): Uncertain significance (1 of 4 stars; one submission).

Conditions:
Familial thoracic aortic aneurysm and aortic dissection (TAAD). Also called: Thoracic aortic aneurysms and dissections. Identifiers: Orphanet 91387, MedGen C4707243, MONDO:0019625.

Submission:

Ambry Genetics
Classification: Uncertain significance for Familial thoracic aortic aneurysm and aortic dissection. Last evaluated: 2022-04-04. Review status: criteria provided, single submitter. Criteria: Ambry Variant Classification Scheme 2023. Collection method: clinical testing. Allele origin: germline.
Comment: The p.E96Q variant (also known as c.286G>C), located in coding exon 1 of the TGFB2 gene, results from a G to C substitution at nucleotide position 286. The glutamic acid at codon 96 is replaced by glutamine, an amino acid with highly similar properties. This amino acid position is conserved. In addition, this alteration is predicted to be tolerated by in silico analysis. Since supporting evidence is limited at this time, the clinical significance of this alteration remains unclear.